The following is an entry in ClinVar:

ClinVar aggregate classification (germline): Benign. Review status: criteria provided, multiple submitters, no conflicts (2 of 4 stars). 3 submissions from 3 submitters: Benign (3). Last evaluated 2024-01-24.

Allele frequency attached by ClinVar (database versions not stated): gnomAD exomes 0.03327; gnomAD 0.03556 and 0.03720; TOPMed 0.04191; 1000 Genomes Project 30x 0.06527; 1000 Genomes Project 0.06649.
gnomAD v4.1: 51,981 of 1,525,230 alleles (3.4%); highest among the groups gnomAD compares: East Asian, 17%; 1,940 homozygotes.

Submissions (3):

Unidad de Genómica Garrahan, Hospital de Pediatría Garrahan
Classification: Benign. Last evaluated: 2024-01-24. Review status: criteria provided, single submitter. Criteria: ACMG Guidelines, 2015. Collection method: clinical testing. Allele origin: germline. Affected: no. Observed: 19 variant alleles.
Comment: This variant is classified as Benign based on local population frequency. This variant was detected in 20% of patients studied by a panel of primary immunodeficiencies. Number of patients: 19. Only high quality variants are reported.

GeneDx
Classification: Benign. Last evaluated: 2018-06-23. Review status: criteria provided, single submitter. Criteria: GeneDx Variant Classification Process June 2021. Collection method: clinical testing. Allele origin: germline. Affected: yes.

Breakthrough Genomics
Classification: Benign. Review status: criteria provided, single submitter. Criteria: ACMG Guidelines, 2015. Collection method: not provided. Allele origin: germline. Inheritance: Autosomal recessive inheritance. Affected: yes.

NM_001382567.1(STIM1):c.1239-63G>A

Gene: STIM1 (stromal interaction molecule 1; plus strand). Cytogenetic location: 11p15.4.
Variant type: single nucleotide variant.
Coding change: c.1239-63G>A on transcript NM_001382567.1 (MANE Select); 63 bases into the intron before coding-DNA position 1239, G replaced by A.
Molecular consequence: intron variant.
Genome position (GRCh38, 1-based): chr11:4,083,200, G>A. VCF-style: chr11-4083200-G-A. GRCh37 (hg19) VCF-style: chr11-4104430-G-A.
Other names: c.1017-63G>A (NM_001382578.1, NM_001382575.1, NM_001382576.1 and 4 more transcripts); c.750-63G>A (NM_001382580.1, NM_001382581.1); c.1239-42G>A (NM_001382568.1); c.1239-63G>A (NM_001277962.2, NM_003156.4, NM_001277961.3); c.1011-63G>A (NM_001382570.1); c.1104-63G>A (NM_001382569.1); c.759-63G>A (NM_001382571.1).
Identifiers: ClinVar variation 1294274 (VCV001294274.5), dbSNP rs894454, ClinGen allele CA15717877.